The following is an entry in ClinVar:

NM_152703.5(SAMD9L):c.1705C>T (p.Gln569Ter)

Gene: SAMD9L (sterile alpha motif domain containing 9 like; minus strand). Cytogenetic location: 7q21.2.
Variant type: single nucleotide variant.
Coding change: c.1705C>T on transcript NM_152703.5 (MANE Select); coding-DNA position 1705, C replaced by T.
Protein change: p.Gln569Ter; replaces glutamine 569 with a stop codon.
Molecular consequence: nonsense.
Genome position (GRCh38, 1-based): chr7:93,134,267, G>A on the plus strand (C>T on the coding strand, the complement: SAMD9L is on the minus strand). VCF-style: chr7-93134267-G-A. GRCh37 (hg19) VCF-style: chr7-92763580-G-A.
Other names: c.1705C>T, p.Gln569Ter (NM_001303496.3, NM_001303497.3, NM_001303498.3 and 5 more transcripts); c.1705C>T (NM_152703.3, NM_152703.2); short protein forms Q569*.
Identifiers: ClinVar variation 1906630 (VCV001906630.9), dbSNP rs756471617, ClinGen allele CA4343693.

ClinVar aggregate classification (germline): Uncertain significance. Review status: criteria provided, multiple submitters, no conflicts (2 of 4 stars). 3 submissions from 3 submitters: Uncertain significance (3). Last evaluated 2025-08-29.

Allele frequency attached by ClinVar (database versions not stated): gnomAD 0.00001; gnomAD exomes 0.00001; ExAC 0.00002; TOPMed 0.00002.

Submissions (3):

Labcorp Genetics (formerly Invitae), Labcorp
Classification: Uncertain significance. Last evaluated: 2025-08-29. Review status: criteria provided, single submitter. Criteria: Invitae Variant Classification Sherloc (09022015). Collection method: clinical testing. Allele origin: germline.
Comment: This sequence change creates a premature translational stop signal (p.Gln569*) in the SAMD9L gene. While this is not anticipated to result in nonsense mediated decay, it is expected to disrupt the last 1016 amino acid(s) of the SAMD9L protein. This variant is present in population databases (rs756471617, gnomAD 0.02%). This variant has not been reported in the literature in individuals affected with SAMD9L-related conditions. ClinVar contains an entry for this variant (Variation ID: 1906630). In summary, the available evidence is currently insufficient to determine the role of this variant in disease. Therefore, it has been classified as a Variant of Uncertain Significance.

Revvity Omics, Revvity
Classification: Uncertain significance. Last evaluated: 2024-10-04. Review status: criteria provided, single submitter. Criteria: ACMG Guidelines, 2015. Collection method: clinical testing. Allele origin: germline.

GeneDx
Classification: Uncertain significance. Last evaluated: 2022-08-02. Review status: criteria provided, single submitter. Criteria: GeneDx Variant Classification Process June 2021. Collection method: clinical testing. Allele origin: germline. Affected: yes.
Comment: Nonsense variant predicted to result in protein truncation in a gene or region of a gene for which loss of function is not a well-established mechanism of disease; Has not been previously published as pathogenic or benign to our knowledge; This variant is associated with the following publications: (PMID: 33724365)